The following is an entry in ClinVar:

NM_001009944.3(PKD1):c.116G>A (p.Cys39Tyr)

Gene: PKD1 (polycystin 1, transient receptor potential channel interacting; minus strand). Cytogenetic location: 16p13.3.
Variant type: single nucleotide variant.
Coding change: c.116G>A on transcript NM_001009944.3 (MANE Select); coding-DNA position 116, G replaced by A.
Protein change: p.Cys39Tyr; replaces cysteine 39 with tyrosine.
Molecular consequence: missense variant.
Genome position (GRCh38, 1-based): chr16:2,135,574, C>T on the plus strand (G>A on the coding strand, the complement: PKD1 is on the minus strand). VCF-style: chr16-2135574-C-T. GRCh37 (hg19) VCF-style: chr16-2185575-C-T.
Other names: c.116G>A, p.Cys39Tyr (NM_000296.4); short protein forms C39Y.
Identifiers: ClinVar variation 1310359 (VCV001310359.3), dbSNP rs2151858290, ClinGen allele CA394282654.

ClinVar aggregate classification (germline): Conflicting classifications of pathogenicity. Review status: criteria provided, conflicting classifications (1 of 4 stars). 2 submissions from 2 submitters: Likely pathogenic (1); Uncertain significance (1). Last evaluated 2024-04-04.

Conditions:
Polycystic kidney disease, adult type (PKD1). Also called: Polycystic Kidney Disease 1, Autosomal Dominant; Polycystic kidney disease 1; Polycystic kidney disease 1, severe; POLYCYSTIC KIDNEY DISEASE 1 WITH OR WITHOUT POLYCYSTIC LIVER DISEASE; POLYCYSTIC KIDNEY DISEASE, ADULT, TYPE I; Polycystic Kidney, Autosomal Dominant. Identifiers: MedGen C3149841, MONDO:0008263, OMIM 173900.

Submissions (2):

Fulgent Genetics
Classification: Likely pathogenic for Polycystic kidney disease, adult type. Last evaluated: 2024-04-04. Review status: criteria provided, single submitter. Criteria: ACMG Guidelines, 2015. Collection method: clinical testing. Allele origin: germline.

GeneDx
Classification: Uncertain significance. Last evaluated: 2021-03-02. Review status: criteria provided, single submitter. Criteria: GeneDx Variant Classification Process June 2021. Collection method: clinical testing. Allele origin: germline. Affected: yes.
Comment: Not observed in large population cohorts (Lek et al., 2016); In silico analysis, which includes protein predictors and evolutionary conservation, supports a deleterious effect; This variant is associated with the following publications: (PMID: 24009235)